The following is an entry in ClinVar:

ClinVar aggregate classification (germline): Uncertain significance (1 of 4 stars; one submission).

Conditions:
Fanconi anemia (FA). Also called: Fanconi's anemia. Identifiers: Orphanet 84, MedGen C0015625, MeSH D005199, MONDO:0019391.

Submission:

Labcorp Genetics (formerly Invitae), Labcorp
Classification: Uncertain significance for Fanconi anemia. Last evaluated: 2023-11-08. Review status: criteria provided, single submitter. Criteria: Invitae Variant Classification Sherloc (09022015). Collection method: clinical testing. Allele origin: germline.
Comment: This sequence change replaces serine, which is neutral and polar, with threonine, which is neutral and polar, at codon 1195 of the FANCD2 protein (p.Ser1195Thr). This variant is not present in population databases (gnomAD no frequency). This variant has not been reported in the literature in individuals affected with FANCD2-related conditions. Advanced modeling of protein sequence and biophysical properties (such as structural, functional, and spatial information, amino acid conservation, physicochemical variation, residue mobility, and thermodynamic stability) performed at Invitae indicates that this missense variant is not expected to disrupt FANCD2 protein function with a negative predictive value of 80%. In summary, the available evidence is currently insufficient to determine the role of this variant in disease. Therefore, it has been classified as a Variant of Uncertain Significance.

NM_001018115.3(FANCD2):c.3584G>C (p.Ser1195Thr)

Genes: FANCD2 (FA complementation group D2; plus strand), FANCD2OS (FANCD2 opposite strand; minus strand). Cytogenetic location: 3p25.3.
Variant type: single nucleotide variant.
Coding change: c.3584G>C on transcript NM_001018115.3 (MANE Select); coding-DNA position 3584, G replaced by C.
Protein change: p.Ser1195Thr; replaces serine 1195 with threonine.
Molecular consequence: missense variant. On other transcripts: intron variant (1).
Genome position (GRCh38, 1-based): chr3:10,088,851, G>C. VCF-style: chr3-10088851-G-C. GRCh37 (hg19) VCF-style: chr3-10130535-G-C.
Other names: c.3584G>C, p.Ser1195Thr (NM_001319984.2, NM_001374254.1, NM_033084.6); c.3473G>C, p.Ser1158Thr (NM_001374253.1); c.*44-7320C>G (NM_173472.2); short protein forms S1195T, S1158T.
Identifiers: ClinVar variation 2694291 (VCV002694291.3), dbSNP rs2470049716, ClinGen allele CA351754504.